The following is an entry in ClinVar:

NM_000147.5(FUCA1):c.445G>T (p.Val149Leu)

Genes: FUCA1 (alpha-L-fucosidase 1; minus strand), LOC126805661 (BRD4-independent group 4 enhancer GRCh37_chr1:24191742-24192941; plus strand). Cytogenetic location: 1p36.11.
Variant type: single nucleotide variant.
Coding change: c.445G>T on transcript NM_000147.5 (MANE Select); coding-DNA position 445, G replaced by T.
Protein change: p.Val149Leu; replaces valine 149 with leucine.
Molecular consequence: missense variant.
Genome position (GRCh38, 1-based): chr1:23,865,570, C>A on the plus strand (G>T on the coding strand, the complement: FUCA1 is on the minus strand). VCF-style: chr1-23865570-C-A. GRCh37 (hg19) VCF-style: chr1-24192060-C-A.
Other names: short protein forms V149L.
Identifiers: ClinVar variation 1368551 (VCV001368551.8), dbSNP rs747625633, ClinGen allele CA686539.

ClinVar aggregate classification (germline): Uncertain significance (1 of 4 stars; one submission).

Conditions:
Fucosidosis. Also called: ALPHA-L-FUCOSIDASE DEFICIENCY. Identifiers: Orphanet 349, MedGen C0016788, MONDO:0009254, OMIM 230000.

Allele frequency attached by ClinVar (database versions not stated): gnomAD 0.00001; gnomAD exomes 0.00001; ExAC 0.00002; TOPMed 0.00002.
gnomAD v4.1: 11 of 1,614,090 alleles (0.00068%); highest among the groups gnomAD compares: African/African-American, 0.0027%; no homozygotes.

Submission:

Labcorp Genetics (formerly Invitae), Labcorp
Classification: Uncertain significance for Fucosidosis. Last evaluated: 2023-08-04. Review status: criteria provided, single submitter. Criteria: Invitae Variant Classification Sherloc (09022015). Collection method: clinical testing. Allele origin: germline.
Comment: In summary, the available evidence is currently insufficient to determine the role of this variant in disease. Therefore, it has been classified as a Variant of Uncertain Significance. Advanced modeling of protein sequence and biophysical properties (such as structural, functional, and spatial information, amino acid conservation, physicochemical variation, residue mobility, and thermodynamic stability) performed at Invitae indicates that this missense variant is not expected to disrupt FUCA1 protein function. ClinVar contains an entry for this variant (Variation ID: 1368551). This variant has not been reported in the literature in individuals affected with FUCA1-related conditions. This variant is present in population databases (rs747625633, gnomAD 0.01%). This sequence change replaces valine, which is neutral and non-polar, with leucine, which is neutral and non-polar, at codon 149 of the FUCA1 protein (p.Val149Leu).